The following is an entry in ClinVar:

NM_001267550.2(TTN):c.68111_68118delinsA (p.Arg22704fs)

Genes: TTN (titin; minus strand), TTN-AS1 (TTN antisense RNA 1; plus strand), LOC126806423 (CDK7 strongly-dependent group 2 enhancer GRCh37_chr2:179443309-179444508; plus strand). Cytogenetic location: 2q31.2.
Variant type: Indel.
Coding change: c.68111_68118delinsA on transcript NM_001267550.2 (MANE Select); coding-DNA positions 68111 to 68118, GAGTAACC replaced by A.
Protein change: p.Arg22704fs; shifts the reading frame from arginine 22704.
Molecular consequence: frameshift variant.
Genome position (GRCh38, 1-based): chr2:178,578,912-178,578,919, GGTTACTC replaced by T on the plus strand (GAGTAACC replaced by A on the coding strand, the reverse complement: TTN is on the minus strand). VCF-style: chr2-178578912-GGTTACTC-T. GRCh37 (hg19) VCF-style: chr2-179443639-GGTTACTC-T.
Other names: c.63188_63195delinsA, p.Arg21063fs (NM_001256850.1); c.40916_40923delinsA, p.Arg13639fs (NM_003319.4); c.60407_60414delinsA, p.Arg20136fs (NM_133378.4); c.41291_41298delinsA, p.Arg13764fs (NM_133432.3); c.41492_41499delinsA, p.Arg13831fs (NM_133437.4); short protein forms R13639fs, R13764fs, R13831fs, R20136fs, R21063fs, R22704fs.
Identifiers: ClinVar variation 4891101 (VCV004891101.1).

ClinVar aggregate classification (germline): Likely pathogenic (1 of 4 stars; one submission).

Conditions:
Dilated cardiomyopathy 1G (CMD1G). Identifiers: Orphanet 154, MedGen C1858763, MONDO:0011400, OMIM 604145.

Submission:

Greenwood Genetic Center Diagnostic Laboratories, Greenwood Genetic Center
Classification: Likely pathogenic for Dilated cardiomyopathy 1G. Last evaluated: 2026-05-21. Review status: criteria provided, single submitter. Criteria: ACMG Guidelines, 2015. Collection method: clinical testing. Allele origin: germline.
Comment: PVS1_Strong, PM1, PM2